The following is an entry in ClinVar:

ClinVar aggregate classification (germline): Benign/Likely benign. Review status: criteria provided, multiple submitters, no conflicts (2 of 4 stars). 3 submissions from 3 submitters: Benign (1); Likely benign (1). 1 of the submissions does not count toward it. Last evaluated 2026-01-05.

Conditions:
CEP152-related disorder. Also called: CEP152-related disorders; CEP152-related condition. Identifiers: MedGen CN239248.

Allele frequency attached by ClinVar (database versions not stated): gnomAD 0.00001 and 0.00016; TOPMed 0.00003; gnomAD exomes 0.00028 and 0.00049; 1000 Genomes Project 0.00060; ExAC 0.00061.
gnomAD v4.1: 429 of 1,608,702 alleles (0.027%); highest among the groups gnomAD compares: South Asian, 0.41%; 7 homozygotes.

Submissions (3):

Labcorp Genetics (formerly Invitae), Labcorp
Classification: Benign. Last evaluated: 2026-01-05. Review status: criteria provided, single submitter. Criteria: Invitae Variant Classification Sherloc (09022015). Collection method: clinical testing. Allele origin: germline.

Blueprint Genetics
Classification: Likely benign. Last evaluated: 2024-11-25. Review status: criteria provided, single submitter. Criteria: ACMG Guidelines, 2015. Collection method: clinical testing. Allele origin: germline.

PreventionGenetics, part of Exact Sciences
Classification: Likely benign for CEP152-related condition. Last evaluated: 2019-05-07. Review status: no assertion criteria provided. Collection method: clinical testing. Allele origin: germline. Not counted in ClinVar's aggregate classification.
Comment: This variant is classified as likely benign based on ACMG/AMP sequence variant interpretation guidelines (Richards et al. 2015 PMID: 25741868, with internal and published modifications).

NM_001194998.2(CEP152):c.3729A>G (p.Pro1243=)

Gene: CEP152 (centrosomal protein 152; minus strand). Cytogenetic location: 15q21.1.
Variant type: single nucleotide variant.
Coding change: c.3729A>G on transcript NM_001194998.2 (MANE Select); coding-DNA position 3729, A replaced by G.
Protein change: p.Pro1243=; no amino-acid change (proline 1243 retained).
Molecular consequence: synonymous variant.
Genome position (GRCh38, 1-based): chr15:48,744,898, T>C on the plus strand (A>G on the coding strand, the complement: CEP152 is on the minus strand). VCF-style: chr15-48744898-T-C. GRCh37 (hg19) VCF-style: chr15-49037095-T-C.
Other names: c.3561A>G, p.Pro1187= (NM_014985.4); c.3729A>G (NM_001194998.1).
Identifiers: ClinVar variation 1663332 (VCV001663332.11), dbSNP rs562708873, ClinGen allele CA7548303.